The following is an entry in ClinVar:

NM_016464.5(TMEM138):c.376+83C>T

Gene: TMEM138 (transmembrane protein 138; plus strand). Cytogenetic location: 11q12.2.
Variant type: single nucleotide variant.
Coding change: c.376+83C>T on transcript NM_016464.5 (MANE Select); 83 bases into the intron after coding-DNA position 376, C replaced by T.
Molecular consequence: intron variant. On other transcripts: synonymous variant (1).
Genome position (GRCh38, 1-based): chr11:61,368,081, C>T. VCF-style: chr11-61368081-C-T. GRCh37 (hg19) VCF-style: chr11-61135553-C-T.
Other names: c.459C>T, p.Asp153= (NM_001410999.1); c.376+83C>T (NM_001410998.1, NM_001410997.1); c.202+83C>T (NM_001330281.2).
Identifiers: ClinVar variation 2641826 (VCV002641826.24), dbSNP rs756677461, ClinGen allele CA6034609.

ClinVar aggregate classification (germline): Likely benign (1 of 4 stars; one submission).

Allele frequency attached by ClinVar (database versions not stated): ExAC 0.00009; TOPMed 0.00012; gnomAD 0.00014.

Submission:

CeGaT Center for Human Genetics Tuebingen
Classification: Likely benign. Last evaluated: 2022-11-01. Review status: criteria provided, single submitter. Criteria: CeGaT Center For Human Genetics Tuebingen Variant Classification Criteria Version 2. Collection method: clinical testing. Allele origin: germline. Affected: yes. Observed: 1 variant allele.
Comment: TMEM138: BP4, BP7